The following is an entry in ClinVar:

ClinVar aggregate classification (germline): Uncertain significance (1 of 4 stars; one submission).

Conditions:
Familial thoracic aortic aneurysm and aortic dissection (TAAD). Also called: Thoracic aortic aneurysms and dissections. Identifiers: Orphanet 91387, MedGen C4707243, MONDO:0019625.

gnomAD v4.1: 2 of 1,613,538 alleles (0.00012%); highest among the groups gnomAD compares: Middle Eastern, 0.017%; no homozygotes.

Submission:

Labcorp Genetics (formerly Invitae), Labcorp
Classification: Uncertain significance for Familial thoracic aortic aneurysm and aortic dissection. Last evaluated: 2025-11-25. Review status: criteria provided, single submitter. Criteria: Invitae Variant Classification Sherloc (09022015). Collection method: clinical testing. Allele origin: germline.
Comment: This sequence change replaces isoleucine, which is neutral and non-polar, with valine, which is neutral and non-polar, at codon 322 of the MAT2A protein (p.Ile322Val). This variant is present in population databases (no rsID available, gnomAD 0.0009%). This variant has not been reported in the literature in individuals affected with MAT2A-related conditions. Invitae Evidence Modeling of protein sequence and biophysical properties (such as structural, functional, and spatial information, amino acid conservation, physicochemical variation, residue mobility, and thermodynamic stability) indicates that this missense variant is expected to disrupt MAT2A protein function with a positive predictive value of 80%. Experimental studies have shown that this missense change affects MAT2A function (PMID: 23425511). In summary, the available evidence is currently insufficient to determine the role of this variant in disease. Therefore, it has been classified as a Variant of Uncertain Significance.

Literature cited by the submitters: PubMed 23425511.

NM_005911.6(MAT2A):c.964A>G (p.Ile322Val)

Genes: GGCX (gamma-glutamyl carboxylase; minus strand), MAT2A (methionine adenosyltransferase 2A; plus strand). Cytogenetic location: 2p11.2.
Variant type: single nucleotide variant.
Coding change: c.964A>G on transcript NM_005911.6 (MANE Select); coding-DNA position 964, A replaced by G.
Protein change: p.Ile322Val; replaces isoleucine 322 with valine.
Molecular consequence: missense variant.
Genome position (GRCh38, 1-based): chr2:85,542,913, A>G. VCF-style: chr2-85542913-A-G. GRCh37 (hg19) VCF-style: chr2-85770036-A-G.
Other names: short protein forms I322V.
Identifiers: ClinVar variation 4808898 (VCV004808898.1).